The following is an entry in ClinVar:

NM_001375808.2(LPIN2):c.698+1del

Gene: LPIN2 (lipin 2; minus strand). Cytogenetic location: 18p11.31.
Variant type: Deletion.
Coding change: c.698+1del on transcript NM_001375808.2 (MANE Select); the canonical splice donor site of the intron after coding-DNA position 698, one base deleted (G; older notation c.698+1delG).
Molecular consequence: splice donor variant.
Genome position (GRCh38, 1-based): chr18:2,940,604, C deleted on the plus strand (G on the coding strand, the reverse complement: LPIN2 is on the minus strand). VCF-style (leftmost placement, unchanged base first): chr18-2940603-AC-A. GRCh37 (hg19) VCF-style: chr18-2940601-AC-A.
Other names: c.698+1del (NM_014646.2, NM_001375809.1).
Identifiers: ClinVar variation 3678736 (VCV003678736.2).

ClinVar aggregate classification (germline): Likely pathogenic (1 of 4 stars; one submission).

Conditions:
Majeed syndrome (MJDS). Also called: LPIN2-Related Majeed Syndrome; CHRONIC RECURRENT MULTIFOCAL OSTEOMYELITIS 1, WITH CONGENITAL DYSERYTHROPOIETIC ANEMIA, WITH OR WITHOUT NEUTROPHILIC DERMATOSIS. Identifiers: Orphanet 77297, MedGen C1864997, MONDO:0012316, OMIM 609628.

Submission:

Labcorp Genetics (formerly Invitae), Labcorp
Classification: Likely pathogenic for Majeed syndrome. Last evaluated: 2024-02-17. Review status: criteria provided, single submitter. Criteria: Invitae Variant Classification Sherloc (09022015). Collection method: clinical testing. Allele origin: germline.
Comment: This sequence change affects a splice site in intron 5 of the LPIN2 gene. It is expected to disrupt RNA splicing. Variants that disrupt the donor or acceptor splice site typically lead to a loss of protein function (PMID: 16199547), and loss-of-function variants in LPIN2 are known to be pathogenic (PMID: 15994876, 23087183). This variant is not present in population databases (gnomAD no frequency). This variant has not been reported in the literature in individuals affected with LPIN2-related conditions. Algorithms developed to predict the effect of sequence changes on RNA splicing suggest that this variant may disrupt the consensus splice site. In summary, the currently available evidence indicates that the variant is pathogenic, but additional data are needed to prove that conclusively. Therefore, this variant has been classified as Likely Pathogenic.

Literature cited by the submitters: PubMed 16199547; PubMed 15994876; PubMed 23087183.